The following is an entry in ClinVar:

ClinVar aggregate classification (germline): Likely benign. Review status: criteria provided, multiple submitters, no conflicts (2 of 4 stars). 2 submissions from 2 submitters: Likely benign (2). Last evaluated 2026-09-11.

Conditions:
MYO7A-related disorder. Also called: MYO7A-related disorders.

Allele frequency attached by ClinVar (database versions not stated): TOPMed below 0.00001; ExAC 0.00001; gnomAD 0.00001; gnomAD exomes 0.00002 and 0.00004.
gnomAD v4.1: 58 of 1,613,752 alleles (0.0036%); highest among the groups gnomAD compares: Non-Finnish European, 0.0045%; no homozygotes.

Submissions (2):

PreventionGenetics, part of Exact Sciences
Classification: Likely benign for MYO7A-related condition. Last evaluated: 2026-09-11. Review status: criteria provided, single submitter. Criteria: ACMG Guidelines, 2015. Collection method: clinical testing. Allele origin: germline.
Comment: This variant is classified as likely benign based on ACMG/AMP sequence variant interpretation guidelines (Richards et al. 2015 PMID: 25741868, with internal and published modifications).

Labcorp Genetics (formerly Invitae), Labcorp
Classification: Likely benign. Last evaluated: 2025-12-09. Review status: criteria provided, single submitter. Criteria: Invitae Variant Classification Sherloc (09022015). Collection method: clinical testing. Allele origin: germline.

NM_000260.4(MYO7A):c.3555G>A (p.Lys1185=)

Gene: MYO7A (myosin VIIA; plus strand). Cytogenetic location: 11q13.5.
Variant type: single nucleotide variant.
Coding change: c.3555G>A on transcript NM_000260.4 (MANE Select); coding-DNA position 3555, G replaced by A.
Protein change: p.Lys1185=; no amino-acid change (lysine 1185 retained).
Molecular consequence: synonymous variant.
Genome position (GRCh38, 1-based): chr11:77,189,395, G>A. VCF-style: chr11-77189395-G-A. GRCh37 (hg19) VCF-style: chr11-76900440-G-A.
Other names: c.3555G>A, p.Lys1185= (NM_001127180.2); c.3522G>A, p.Lys1174= (NM_001369365.1).
Identifiers: ClinVar variation 799343 (VCV000799343.11), dbSNP rs569204833, ClinGen allele CA6198111.
Genomic context (GRCh38, chr11:77,189,395, plus strand): 5'-CCTGCCCAGGGACGAGATCTACTGCCAGATCAGCAAGCAGCTGACCCACAACCCCTCCAA[G>A]AGCAGCTATGCCCGGGGCTGGATTCTCGTGTCTCTCTGCGTGGGCTGTTTCGCCCCCTCC-3'
Protein context (NP_000251.3, residues 1175-1195): ISKQLTHNPS[Lys1185=]SSYARGWILV